The following is an entry in ClinVar:

ClinVar aggregate classification (germline): Uncertain significance (1 of 4 stars; one submission).

Conditions:
Hepatoencephalopathy due to combined oxidative phosphorylation defect type 1. Also called: HEPATOENCEPHALOPATHY, EARLY FATAL PROGRESSIVE. Identifiers: Orphanet 137681, MedGen C1836797, MONDO:0012191, OMIM 609060.

Submission:

Centre for Mendelian Genomics, University Medical Centre Ljubljana
Classification: Uncertain significance for Hepatoencephalopathy due to combined oxidative phosphorylation defect type 1. Last evaluated: 2016-01-01. Review status: criteria provided, single submitter. Criteria: ACMG Guidelines, 2015. Collection method: clinical testing. Allele origin: unknown. Affected: yes.
Comment: This variant was classified as: Uncertain significance. The following ACMG criteria were applied in classifying this variant: PM2,PP3.

NM_024996.7(GFM1):c.881C>T (p.Pro294Leu)

Gene: GFM1 (G elongation factor mitochondrial 1; plus strand). Cytogenetic location: 3q25.32.
Variant type: single nucleotide variant.
Coding change: c.881C>T on transcript NM_024996.7 (MANE Select); coding-DNA position 881, C replaced by T.
Protein change: p.Pro294Leu; replaces proline 294 with leucine.
Molecular consequence: missense variant. On other transcripts: non-coding transcript variant (4).
Genome position (GRCh38, 1-based): chr3:158,653,350, C>T. VCF-style: chr3-158653350-C-T. GRCh37 (hg19) VCF-style: chr3-158371139-C-T.
Other names: c.938C>T, p.Pro313Leu (NM_001308164.2, NM_001374355.1); c.881C>T, p.Pro294Leu (NM_001308166.2); c.764C>T, p.Pro255Leu (NM_001374356.1); c.656C>T, p.Pro219Leu (NM_001374357.1); c.422C>T, p.Pro141Leu (NM_001374358.1); c.314C>T, p.Pro105Leu (NM_001374359.1, NM_001374360.1); c.197C>T, p.Pro66Leu (NM_001374361.1); short protein forms P313L, P66L, P105L, P141L, P219L, P294L, P255L.
Identifiers: ClinVar variation 931966 (VCV000931966.3), dbSNP rs1722451256, ClinGen allele CA355177013.